The following is an entry in ClinVar:

NM_032043.3(BRIP1):c.2358del (p.Pro787fs)

Gene: BRIP1 (BRCA1 interacting DNA helicase 1; minus strand). Cytogenetic location: 17q23.2.
Variant type: Deletion.
Coding change: c.2358del on transcript NM_032043.3 (MANE Select); coding-DNA position 2358, one base deleted (T; older notation c.2358delT).
Protein change: p.Pro787fs; shifts the reading frame from proline 787.
Molecular consequence: frameshift variant.
Genome position (GRCh38, 1-based): chr17:61,743,034, A deleted on the plus strand (T on the coding strand, the reverse complement: BRIP1 is on the minus strand); the first of 4 consecutive A bases (chr17:61,743,034-61,743,037); deleting any one gives the same sequence. VCF-style (leftmost placement, unchanged base first): chr17-61743033-GA-G. GRCh37 (hg19) VCF-style: chr17-59820394-GA-G.
Other names: c.2358delT (NM_032043.2); short protein forms P787fs.
Identifiers: ClinVar variation 3482443 (VCV003482443.3).

ClinVar aggregate classification (germline): Pathogenic. Review status: criteria provided, multiple submitters, no conflicts (2 of 4 stars). 2 submissions from 2 submitters: Pathogenic (2). Last evaluated 2024-08-21.

Conditions:
Fanconi anemia complementation group J. Also called: BRIP1-Related Fanconi Anemia. Identifiers: Orphanet 84, MedGen C1836860, MONDO:0012187, OMIM 609054.
Familial cancer of breast. Also called: Hereditary breast cancer; hereditary breast carcinoma; BREAST CANCER, FAMILIAL. Identifiers: Orphanet 227535, MedGen C0346153, MONDO:0016419, OMIM 114480. Disease mechanism: loss of function.
Hereditary cancer-predisposing syndrome. Also called: Hereditary Cancer Syndrome; Hereditary neoplastic syndrome; Neoplastic Syndromes, Hereditary; Tumor predisposition. Identifiers: Orphanet 140162, MedGen C0027672, MeSH D009386, MONDO:0015356.

Submissions (2):

Ambry Genetics
Classification: Pathogenic for Hereditary cancer-predisposing syndrome. Last evaluated: 2024-08-21. Review status: criteria provided, single submitter. Criteria: Ambry Variant Classification Scheme 2023. Collection method: clinical testing. Allele origin: germline.
Comment: The c.2358delT pathogenic mutation, located in coding exon 15 of the BRIP1 gene, results from a deletion of one nucleotide at nucleotide position 2358, causing a translational frameshift with a predicted alternate stop codon (p.P787Qfs*3). This variant is considered to be rare based on population cohorts in the Genome Aggregation Database (gnomAD). This alteration is expected to result in loss of function by premature protein truncation or nonsense-mediated mRNA decay. As such, this alteration is interpreted as a disease-causing mutation.

Labcorp Genetics (formerly Invitae), Labcorp
Classification: Pathogenic for Familial cancer of breast; Fanconi anemia complementation group J. Last evaluated: 2024-06-05. Review status: criteria provided, single submitter. Criteria: Invitae Variant Classification Sherloc (09022015). Collection method: clinical testing. Allele origin: germline.
Comment: This sequence change creates a premature translational stop signal (p.Pro787Glnfs*3) in the BRIP1 gene. It is expected to result in an absent or disrupted protein product. Loss-of-function variants in BRIP1 are known to be pathogenic (PMID: 16116423, 17033622, 21964575). This variant is not present in population databases (gnomAD no frequency). This variant has not been reported in the literature in individuals affected with BRIP1-related conditions. Algorithms developed to predict the effect of sequence changes on RNA splicing suggest that this variant may disrupt the consensus splice site. For these reasons, this variant has been classified as Pathogenic.

Literature cited by the submitters: PubMed 16116423 (cited by Labcorp Genetics (formerly Invitae), Labcorp); PubMed 17033622 (cited by Labcorp Genetics (formerly Invitae), Labcorp); PubMed 21964575 (cited by Labcorp Genetics (formerly Invitae), Labcorp).